The following is an entry in ClinVar:

ClinVar aggregate classification (germline): Uncertain significance. Review status: criteria provided, multiple submitters, no conflicts (2 of 4 stars). 2 submissions from 2 submitters: Uncertain significance (2). Last evaluated 2021-07-14.

Conditions:
Ataxia-telangiectasia syndrome (AT). Also called: Cerebello-oculocutaneous telangiectasia; Immunodeficiency with ataxia telangiectasia; LOUIS-BAR SYNDROME; AT, COMPLEMENTATION GROUP C; ATAXIA-TELANGIECTASIA, COMPLEMENTATION GROUP A; ATAXIA-TELANGIECTASIA, FRESNO VARIANT. Identifiers: Orphanet 100, MedGen C0004135, MONDO:0008840, OMIM 208900.

Submissions (2):

Genome-Nilou Lab
Classification: Uncertain significance for Ataxia-telangiectasia syndrome. Last evaluated: 2021-07-14. Review status: criteria provided, single submitter. Criteria: ACMG Guidelines, 2015. Collection method: clinical testing. Allele origin: germline. Affected: no.

Labcorp Genetics (formerly Invitae), Labcorp
Classification: Uncertain significance for Ataxia-telangiectasia syndrome. Last evaluated: 2020-04-17. Review status: criteria provided, single submitter. Criteria: Invitae Variant Classification Sherloc (09022015). Collection method: clinical testing. Allele origin: germline.
Comment: In summary, the available evidence is currently insufficient to determine the role of this variant in disease. Therefore, it has been classified as a Variant of Uncertain Significance. Algorithms developed to predict the effect of missense changes on protein structure and function (SIFT, PolyPhen-2, Align-GVGD) all suggest that this variant is likely to be disruptive, but these predictions have not been confirmed by published functional studies and their clinical significance is uncertain. This variant has not been reported in the literature in individuals with ATM-related conditions. This variant is not present in population databases (ExAC no frequency). This sequence change replaces tyrosine with histidine at codon 1248 of the ATM protein (p.Tyr1248His). The tyrosine residue is moderately conserved and there is a moderate physicochemical difference between tyrosine and histidine.

NM_000051.4(ATM):c.3742T>C (p.Tyr1248His)

Gene: ATM (ATM serine/threonine kinase; plus strand). Cytogenetic location: 11q22.3.
Variant type: single nucleotide variant.
Coding change: c.3742T>C on transcript NM_000051.4 (MANE Select); coding-DNA position 3742, T replaced by C.
Protein change: p.Tyr1248His; replaces tyrosine 1248 with histidine.
Molecular consequence: missense variant.
Genome position (GRCh38, 1-based): chr11:108,282,875, T>C. VCF-style: chr11-108282875-T-C. GRCh37 (hg19) VCF-style: chr11-108153602-T-C.
Other names: c.3742T>C, p.Tyr1248His (NM_001351834.2); short protein forms Y1248H.
Identifiers: ClinVar variation 934919 (VCV000934919.12), dbSNP rs1180341161, ClinGen allele CA382523864.